The following is an entry in ClinVar:

ClinVar aggregate classification (germline): Uncertain significance. Review status: criteria provided, multiple submitters, no conflicts (2 of 4 stars). 2 submissions from 2 submitters: Uncertain significance (2). Last evaluated 2025-02-26.

Conditions:
Fetal akinesia deformation sequence 1 (FADS1). Also called: Pena-Shokeir syndrome type I; Fetal akinesia sequence. Identifiers: Orphanet 994, MedGen C1276035, MONDO:0100101, OMIM 208150, HP:0001989.
Congenital myasthenic syndrome 9. Also called: Myasthenic syndrome, congenital, 9, associated with acetylcholine receptor deficiency. Identifiers: Orphanet 590, MedGen C4225368, MONDO:0014587, OMIM 616325.
Inborn genetic diseases. Identifiers: MedGen C0950123, MeSH D030342.

gnomAD v4.1: 17 of 1,612,458 alleles (0.0011%); highest among the groups gnomAD compares: Non-Finnish European, 0.0013%; no homozygotes.

Submissions (2):

Ambry Genetics
Classification: Uncertain significance for Inborn genetic diseases. Last evaluated: 2025-02-26. Review status: criteria provided, single submitter. Criteria: Ambry Variant Classification Scheme 2023. Collection method: clinical testing. Allele origin: germline.

Labcorp Genetics (formerly Invitae), Labcorp
Classification: Uncertain significance for Congenital myasthenic syndrome 9; Fetal akinesia deformation sequence 1. Last evaluated: 2022-03-05. Review status: criteria provided, single submitter. Criteria: Invitae Variant Classification Sherloc (09022015). Collection method: clinical testing. Allele origin: germline.
Comment: This sequence change replaces isoleucine, which is neutral and non-polar, with leucine, which is neutral and non-polar, at codon 638 of the MUSK protein (p.Ile638Leu). This variant is present in population databases (rs370413759, gnomAD 0.0009%). This variant has not been reported in the literature in individuals affected with MUSK-related conditions. Advanced modeling of protein sequence and biophysical properties (such as structural, functional, and spatial information, amino acid conservation, physicochemical variation, residue mobility, and thermodynamic stability) performed at Invitae indicates that this missense variant is expected to disrupt MUSK protein function. In summary, the available evidence is currently insufficient to determine the role of this variant in disease. Therefore, it has been classified as a Variant of Uncertain Significance.

NM_005592.4(MUSK):c.1912A>C (p.Ile638Leu)

Gene: MUSK (muscle associated receptor tyrosine kinase; plus strand). Cytogenetic location: 9q31.3.
Variant type: single nucleotide variant.
Coding change: c.1912A>C on transcript NM_005592.4 (MANE Select); coding-DNA position 1912, A replaced by C.
Protein change: p.Ile638Leu; replaces isoleucine 638 with leucine.
Molecular consequence: missense variant.
Genome position (GRCh38, 1-based): chr9:110,787,823, A>C. VCF-style: chr9-110787823-A-C. GRCh37 (hg19) VCF-style: chr9-113550103-A-C.
Other names: c.1654A>C, p.Ile552Leu (NM_001166280.2); c.1624A>C, p.Ile542Leu (NM_001166281.2); c.652A>C, p.Ile218Leu (NM_001369398.1); c.1912A>C (NM_005592.3); short protein forms I218L, I552L, I542L, I638L.
Identifiers: ClinVar variation 2137050 (VCV002137050.2), dbSNP rs370413759, ClinGen allele CA5184499.
Genomic context (GRCh38, chr9:110,787,823, plus strand): 5'-GATATGCAAGCGGACTTTCAGAGGGAGGCAGCCCTCATGGCAGAATTTGACAACCCTAAC[A>C]TTGTGAAGCTATTAGGTATGAAAATACAAGTGAGGATATGTATTTCATCAGAAAACAGAG-3'
Protein context (NP_005583.1, residues 628-648): ALMAEFDNPN[Ile638Leu]VKLLGVCAVG